The following is an entry in ClinVar:

NM_001142864.4(PIEZO1):c.2488-34_2488-3del

Genes: HSALR1 (HSP90AB1 associated lncRNA 1; plus strand), PIEZO1 (piezo type mechanosensitive ion channel component 1 (Er blood group); minus strand). Cytogenetic location: 16q24.3.
Variant type: Microsatellite.
Coding change: c.2488-34_2488-3del on transcript NM_001142864.4 (MANE Select); 34 bases into the intron before coding-DNA position 2488 through 3 bases into the intron before coding-DNA position 2488, 32 bases deleted.
Molecular consequence: intron variant.
Genome position (GRCh38, 1-based): chr16:88,733,457-88,733,488, 32 bases deleted; deleting any 32 consecutive bases within chr16:88,733,457-88,733,524 gives the same sequence; the c. name uses the placement nearest the transcript's 3' end. GRCh37 (hg19), VCF-style position (the base before the change): chr16:88,799,864.
Other names: p.?.
Identifiers: ClinVar variation 811290 (VCV000811290.11), dbSNP rs747907132, ClinGen allele CA8232761.

ClinVar aggregate classification (germline): Uncertain significance. Review status: criteria provided, multiple submitters, no conflicts (2 of 4 stars). 3 submissions from 3 submitters: Uncertain significance (3). Last evaluated 2025-07-27.

Submissions (3):

Labcorp Genetics (formerly Invitae), Labcorp
Classification: Uncertain significance. Last evaluated: 2025-07-27. Review status: criteria provided, single submitter. Criteria: Invitae Variant Classification Sherloc (09022015). Collection method: clinical testing. Allele origin: germline.
Comment: This sequence change falls in intron 18 of the PIEZO1 gene. It does not directly change the encoded amino acid sequence of the PIEZO1 protein. This variant is present in population databases (rs747907132, gnomAD 0.05%). This variant has not been reported in the literature in individuals affected with PIEZO1-related conditions. In summary, the available evidence is currently insufficient to determine the role of this variant in disease. Therefore, it has been classified as a Variant of Uncertain Significance.

Mayo Clinic Laboratories, Mayo Clinic
Classification: Uncertain significance. Last evaluated: 2024-11-12. Review status: criteria provided, single submitter. Criteria: ACMG Guidelines, 2015. Collection method: clinical testing. Allele origin: germline. Observed: 1 variant allele.

ARUP Laboratories, Molecular Genetics and Genomics, ARUP Laboratories
Classification: Uncertain significance. Last evaluated: 2019-02-06. Review status: criteria provided, single submitter. Criteria: ARUP Molecular Germline Variant Investigation Process. Collection method: clinical testing. Allele origin: germline.